The following is an entry in ClinVar:

NM_000414.4(HSD17B4):c.282TGT[1] (p.Val97del)

Gene: HSD17B4 (hydroxysteroid 17-beta dehydrogenase 4; plus strand). Cytogenetic location: 5q23.1.
Variant type: Microsatellite.
Coding change: c.282TGT[1] on transcript NM_000414.4 (MANE Select); one copy of the 3-base unit TGT starting at c.282; the reference has two copies in a row; one copy, 3 bases deleted.
Protein change: p.Val97del; deletes valine 97.
Molecular consequence: inframe deletion. On other transcripts: 5 prime UTR variant (5), initiator codon variant (1), non-coding transcript variant (2).
Genome position (GRCh38, 1-based): chr5:119,475,710-119,475,712, TGT deleted; deleting any 3 consecutive bases within chr5:119,475,707-119,475,712 gives the same sequence; the position shown is the placement nearest the transcript's 3' end. VCF-style (leftmost placement, unchanged base first): chr5-119475706-ATGT-A. GRCh37 (hg19) VCF-style: chr5-118811401-ATGT-A.
Other names: p.Val122del; c.360_362del (NM_001199291.3); c.357TGT[1], p.Val122del (NM_001199291.3); c.228TGT[1], p.Val79del (NM_001199292.2); c.210TGT[1], p.Val73del (NM_001292027.2); c.-130TGT[1] (NM_001292028.2, NM_001374501.1, NM_001374502.1 and 1 more transcripts); c.282TGT[1], p.Val97del (NM_001374497.1, NM_001374498.1); c.2TGT[1], p.Leu2del (NM_001374499.1); and 1 more; short protein forms V97del, V73del, V122del, V79del, L2del.
Identifiers: ClinVar variation 4541060 (VCV004541060.1).

ClinVar aggregate classification (germline): Uncertain significance (1 of 4 stars; one submission).

Submission:

Mayo Clinic Laboratories, Mayo Clinic
Classification: Uncertain significance. Last evaluated: 2025-11-14. Review status: criteria provided, single submitter. Criteria: ACMG Guidelines, 2015. Collection method: clinical testing. Allele origin: germline. Observed: 1 variant allele.
Comment: PP4, PM2_supporting, PM4